The following is an entry in ClinVar:

NM_005228.5(EGFR):c.3304G>T (p.Ala1102Ser)

Gene: EGFR (epidermal growth factor receptor; plus strand). Cytogenetic location: 7p11.2.
Variant type: single nucleotide variant.
Coding change: c.3304G>T on transcript NM_005228.5 (MANE Select); coding-DNA position 3304, G replaced by T.
Protein change: p.Ala1102Ser; replaces alanine 1102 with serine.
Molecular consequence: missense variant.
Genome position (GRCh38, 1-based): chr7:55,205,288, G>T. VCF-style: chr7-55205288-G-T. GRCh37 (hg19) VCF-style: chr7-55272981-G-T.
Other names: c.3169G>T, p.Ala1057Ser (NM_001346899.2); c.3145G>T, p.Ala1049Ser (NM_001346900.2); c.2503G>T, p.Ala835Ser (NM_001346941.2); short protein forms A835S, A1057S, A1102S, A1049S.
Identifiers: ClinVar variation 1496803 (VCV001496803.8), dbSNP rs1268506326, ClinGen allele CA367584329.

ClinVar aggregate classification (germline): Uncertain significance (1 of 4 stars; one submission).

Conditions:
EGFR-related lung cancer (EGFR). Identifiers: MedGen CN130014.

Allele frequency attached by ClinVar (database versions not stated): gnomAD exomes below 0.00001.
gnomAD v4.1: 5 of 1,612,612 alleles (0.00031%); highest among the groups gnomAD compares: Non-Finnish European, 0.00034%; no homozygotes.

Submission:

Labcorp Genetics (formerly Invitae), Labcorp
Classification: Uncertain significance for EGFR-related lung cancer. Last evaluated: 2025-03-27. Review status: criteria provided, single submitter. Criteria: Invitae Variant Classification Sherloc (09022015). Collection method: clinical testing. Allele origin: germline.
Comment: This sequence change replaces alanine, which is neutral and non-polar, with serine, which is neutral and polar, at codon 1102 of the EGFR protein (p.Ala1102Ser). This variant is present in population databases (no rsID available, gnomAD 0.0009%). This variant has not been reported in the literature in individuals affected with EGFR-related conditions. ClinVar contains an entry for this variant (Variation ID: 1496803). An algorithm developed to predict the effect of missense changes on protein structure and function (PolyPhen-2) suggests that this variant is likely to be tolerated. In summary, the available evidence is currently insufficient to determine the role of this variant in disease. Therefore, it has been classified as a Variant of Uncertain Significance.